The following is an entry in ClinVar:

ClinVar aggregate classification (germline): Uncertain significance (1 of 4 stars; one submission).

Conditions:
Hereditary spastic paraplegia 11. Also called: Nakamura Osame syndrome; Autosomal recessive hereditary spastic paraplegia, mental impairment, and thin corpus callosum; Spastic paraplegia, mental retardation and thin corpus callosum; SPASTIC PARAPLEGIA, AUTOSOMAL RECESSIVE, COMPLICATED, WITH THIN CORPUS CALLOSUM; SPASTIC PARAPLEGIA, AUTOSOMAL RECESSIVE, WITH MENTAL IMPAIRMENT AND THIN CORPUS CALLOSUM; Spastic Paraplegia 11. Identifiers: Orphanet 2822, MedGen C1858479, MONDO:0011445, OMIM 604360.

Allele frequency attached by ClinVar (database versions not stated): gnomAD exomes below 0.00001.
gnomAD v4.1: 2 of 1,613,750 alleles (0.00012%); highest among the groups gnomAD compares: Admixed American, 0.0017%; no homozygotes.

Submission:

Labcorp Genetics (formerly Invitae), Labcorp
Classification: Uncertain significance for Hereditary spastic paraplegia 11. Last evaluated: 2021-02-07. Review status: criteria provided, single submitter. Criteria: Invitae Variant Classification Sherloc (09022015). Collection method: clinical testing. Allele origin: germline.
Comment: Algorithms developed to predict the effect of missense changes on protein structure and function are either unavailable or do not agree on the potential impact of this missense change (SIFT: "Tolerated"; PolyPhen-2: "Possibly Damaging"; Align-GVGD: "Class C0"). In summary, the available evidence is currently insufficient to determine the role of this variant in disease. Therefore, it has been classified as a Variant of Uncertain Significance. This sequence change replaces alanine with glycine at codon 1726 of the SPG11 protein (p.Ala1726Gly). The alanine residue is moderately conserved and there is a small physicochemical difference between alanine and glycine. This variant is not present in population databases (ExAC no frequency). This variant has not been reported in the literature in individuals with SPG11-related conditions.

NM_025137.4(SPG11):c.5177C>G (p.Ala1726Gly)

Gene: SPG11 (SPG11 vesicle trafficking associated, spatacsin; minus strand). Cytogenetic location: 15q21.1.
Variant type: single nucleotide variant.
Coding change: c.5177C>G on transcript NM_025137.4 (MANE Select); coding-DNA position 5177, C replaced by G.
Protein change: p.Ala1726Gly; replaces alanine 1726 with glycine.
Molecular consequence: missense variant.
Genome position (GRCh38, 1-based): chr15:44,584,503, G>C on the plus strand (C>G on the coding strand, the complement: SPG11 is on the minus strand). VCF-style: chr15-44584503-G-C. GRCh37 (hg19) VCF-style: chr15-44876701-G-C.
Other names: c.5177C>G, p.Ala1726Gly (NM_001160227.2); short protein forms A1726G.
Identifiers: ClinVar variation 961259 (VCV000961259.9), dbSNP rs1252919994, ClinGen allele CA392223124.